The following is an entry in ClinVar:

NM_205861.3(DHDDS):c.827_828del (p.Thr276fs)

Gene: DHDDS (dehydrodolichyl diphosphate synthase subunit; plus strand). Cytogenetic location: 1p36.11.
Variant type: Deletion.
Coding change: c.827_828del on transcript NM_205861.3 (MANE Select); coding-DNA positions 827 to 828, 2 bases deleted (CA; older notation c.827_828delCA).
Protein change: p.Thr276fs; shifts the reading frame from threonine 276.
Molecular consequence: frameshift variant.
Genome position (GRCh38, 1-based): chr1:26,468,956-26,468,957, CA deleted; deleting any 2 consecutive bases within chr1:26,468,955-26,468,957 gives the same sequence; the c. name uses the placement nearest the transcript's 3' end. VCF-style (leftmost placement, unchanged base first): chr1-26468954-TAC-T. GRCh37 (hg19) VCF-style: chr1-26795445-TAC-T.
Other names: c.725_726del, p.Thr242fs (NM_001243564.2); c.710_711del, p.Thr237fs (NM_001243565.2); c.548_549del, p.Thr183fs (NM_001319959.2); c.830_831del, p.Thr277fs (NM_024887.4); short protein forms T183fs, T237fs, T242fs, T276fs, T277fs.
Identifiers: ClinVar variation 4816176 (VCV004816176.1).
Genomic context (GRCh38, chr1:26,468,954, plus strand): 5'-GAAGGCCCGAGACATGTATGCAGAGGAGCGGAAGAGGCAGCAGCTGGAGAGGGACCAGGC[TAC>T]AGTGACAGAGCAGCTGCTGCGAGAGGGGCTCCAAGCCAGTGGGGACGCCCAGCTCCGAAG-3'

ClinVar aggregate classification (germline): Likely pathogenic (1 of 4 stars; one submission).

Conditions:
Retinitis pigmentosa 59 (RP59). Identifiers: Orphanet 791, MedGen C3151227, MONDO:0013468, OMIM 613861.

Submission:

Natera, Inc.
Classification: Likely pathogenic for Retinitis pigmentosa type 59. Last evaluated: 2025-09-24. Review status: criteria provided, single submitter. Criteria: Natera Variant Classification Schema (03/2026). Collection method: clinical testing. Allele origin: germline.
Comment: The c.830_831del variant in DHDDS is a frameshift variant predicted to shift the reading frame beginning at codon 277 and leads to a stop codon 47 codons downstream. This variant is expected to result in nonsense mediated decay, truncation, or a dysfunctional protein product. This variant is rare in the general population with a frequency below the threshold expected for the associated phenotype(s). Given the available evidence, this variant is classified as Likely Pathogenic.